The following is an entry in ClinVar:

NM_024642.5(GALNT12):c.328C>G (p.Arg110Gly)

Gene: GALNT12 (polypeptide N-acetylgalactosaminyltransferase 12; plus strand). Cytogenetic location: 9q22.33.
Variant type: single nucleotide variant.
Coding change: c.328C>G on transcript NM_024642.5 (MANE Select); coding-DNA position 328, C replaced by G.
Protein change: p.Arg110Gly; replaces arginine 110 with glycine.
Molecular consequence: missense variant.
Genome position (GRCh38, 1-based): chr9:98,808,026, C>G. VCF-style: chr9-98808026-C-G. GRCh37 (hg19) VCF-style: chr9-101570308-C-G.
Other names: short protein forms R110G.
Identifiers: ClinVar variation 1729827 (VCV001729827.2), dbSNP rs1219900667, ClinGen allele CA374222985.

ClinVar aggregate classification (germline): Uncertain significance (1 of 4 stars; one submission).

Submission:

Ambry Genetics
Classification: Uncertain significance. Last evaluated: 2021-07-23. Review status: criteria provided, single submitter. Criteria: Ambry Variant Classification Scheme 2023. Collection method: clinical testing. Allele origin: germline.
Comment: The p.R110G variant (also known as c.328C>G), located in coding exon 1 of the GALNT12 gene, results from a C to G substitution at nucleotide position 328. The arginine at codon 110 is replaced by glycine, an amino acid with dissimilar properties. This amino acid position is conserved. In addition, this alteration is predicted to be tolerated by in silico analysis. Since supporting evidence is limited at this time, the clinical significance of this alteration remains unclear.